The following is an entry in ClinVar:

NM_004304.5(ALK):c.1604C>G (p.Thr535Ser)

Gene: ALK (ALK receptor tyrosine kinase; minus strand). Cytogenetic location: 2p23.2.
Variant type: single nucleotide variant.
Coding change: c.1604C>G on transcript NM_004304.5 (MANE Select); coding-DNA position 1604, C replaced by G.
Protein change: p.Thr535Ser; replaces threonine 535 with serine.
Molecular consequence: missense variant.
Genome position (GRCh38, 1-based): chr2:29,318,347, G>C on the plus strand (C>G on the coding strand, the complement: ALK is on the minus strand). VCF-style: chr2-29318347-G-C. GRCh37 (hg19) VCF-style: chr2-29541213-G-C.
Other names: short protein forms T535S.
Identifiers: ClinVar variation 3285785 (VCV003285785.3).

ClinVar aggregate classification (germline): Uncertain significance. Review status: criteria provided, multiple submitters, no conflicts (2 of 4 stars). 2 submissions from 2 submitters: Uncertain significance (2). Last evaluated 2024-06-19.

Conditions:
Hereditary cancer-predisposing syndrome. Also called: Neoplastic Syndromes, Hereditary; Hereditary neoplastic syndrome; Tumor predisposition; Hereditary Cancer Syndrome. Identifiers: Orphanet 140162, MedGen C0027672, MeSH D009386, MONDO:0015356.
Neuroblastoma, susceptibility to, 3. Also called: ALK-Related Neuroblastic Tumor Susceptibility. Identifiers: Orphanet 635, MedGen C2751681, MONDO:0013083, OMIM 613014.

gnomAD v4.1: 3 of 1,614,048 alleles (0.00019%); highest among the groups gnomAD compares: South Asian, 0.0033%; no homozygotes.

Submissions (2):

Labcorp Genetics (formerly Invitae), Labcorp
Classification: Uncertain significance for Neuroblastoma, susceptibility to, 3. Last evaluated: 2024-06-19. Review status: criteria provided, single submitter. Criteria: Invitae Variant Classification Sherloc (09022015). Collection method: clinical testing. Allele origin: germline.
Comment: This sequence change replaces threonine, which is neutral and polar, with serine, which is neutral and polar, at codon 535 of the ALK protein (p.Thr535Ser). This variant is present in population databases (no rsID available, gnomAD 0.003%). This variant has not been reported in the literature in individuals affected with ALK-related conditions. An algorithm developed to predict the effect of missense changes on protein structure and function (PolyPhen-2) suggests that this variant is likely to be tolerated. In summary, the available evidence is currently insufficient to determine the role of this variant in disease. Therefore, it has been classified as a Variant of Uncertain Significance.

Ambry Genetics
Classification: Uncertain significance for Hereditary cancer-predisposing syndrome. Last evaluated: 2024-04-01. Review status: criteria provided, single submitter. Criteria: Ambry Variant Classification Scheme 2023. Collection method: clinical testing. Allele origin: germline.
Comment: The p.T535S variant (also known as c.1604C>G), located in coding exon 8 of the ALK gene, results from a C to G substitution at nucleotide position 1604. The threonine at codon 535 is replaced by serine, an amino acid with similar properties. This amino acid position is conserved. In addition, this alteration is predicted to be tolerated by in silico analysis. Based on the available evidence, the clinical significance of this alteration remains unclear.